The following is an entry in ClinVar:

NM_000038.6(APC):c.1256C>G (p.Thr419Ser)

Gene: APC (APC regulator of Wnt signaling pathway; plus strand). Cytogenetic location: 5q22.2.
Variant type: single nucleotide variant.
Coding change: c.1256C>G on transcript NM_000038.6 (MANE Select); coding-DNA position 1256, C replaced by G.
Protein change: p.Thr419Ser; replaces threonine 419 with serine.
Molecular consequence: missense variant. On other transcripts: non-coding transcript variant (2).
Genome position (GRCh38, 1-based): chr5:112,819,288, C>G. VCF-style: chr5-112819288-C-G. GRCh37 (hg19) VCF-style: chr5-112154985-C-G.
Other names: c.1256C>G, p.Thr419Ser (NM_001407450.1, NM_001127510.3, NM_001407447.1 and 4 more transcripts); c.1181C>G, p.Thr394Ser (NM_001407451.1, NM_001354898.2); c.1172C>G, p.Thr391Ser (NM_001407452.1, NM_001354899.2); c.1079C>G, p.Thr360Ser (NM_001407453.1, NM_001354900.2, NM_001354901.2); c.953C>G, p.Thr318Ser (NM_001407454.1, NM_001407455.1, NM_001407456.1 and 5 more transcripts); c.1202C>G, p.Thr401Ser (NM_001127511.3); c.983C>G, p.Thr328Ser (NM_001354902.2); c.878C>G, p.Thr293Ser (NM_001354904.2); and 5 more; short protein forms T259S, T391S, T401S, T419S, T136S, T290S, T318S, T35S.
Identifiers: ClinVar variation 5025910 (VCV005025910.1).

ClinVar aggregate classification (germline): Uncertain significance (1 of 4 stars; one submission).

Conditions:
Hereditary cancer-predisposing syndrome. Also called: Neoplastic Syndromes, Hereditary; Tumor predisposition; Hereditary neoplastic syndrome; Hereditary Cancer Syndrome. Identifiers: Orphanet 140162, MedGen C0027672, MeSH D009386, MONDO:0015356.

gnomAD v4.1: 1 of 1,614,016 alleles (0.000062%); highest among the groups gnomAD compares: Non-Finnish European, 0.000085%; no homozygotes.

Submission:

Ambry Genetics
Classification: Uncertain significance for Hereditary cancer-predisposing syndrome. Last evaluated: 2026-08-26. Review status: criteria provided, single submitter. Criteria: Ambry Variant Classification Scheme 2023. Collection method: clinical testing. Allele origin: germline.
Comment: The p.T419S variant (also known as c.1256C>G), located in coding exon 9 of the APC gene, results from a C to G substitution at nucleotide position 1256. The threonine at codon 419 is replaced by serine, an amino acid with similar properties. This amino acid position is conserved. In addition, in silico predictors for this gene do not accurately predict pathogenicity. Based on the available evidence, the clinical significance of this variant remains unclear.